The following is an entry in ClinVar:

NM_002354.3(EPCAM):c.19C>G (p.Leu7Val)

Gene: EPCAM (epithelial cell adhesion molecule; plus strand). Cytogenetic location: 2p21.
Variant type: single nucleotide variant.
Coding change: c.19C>G on transcript NM_002354.3 (MANE Select); coding-DNA position 19, C replaced by G.
Protein change: p.Leu7Val; replaces leucine 7 with valine.
Molecular consequence: missense variant.
Genome position (GRCh38, 1-based): chr2:47,369,524, C>G. VCF-style: chr2-47369524-C-G. GRCh37 (hg19) VCF-style: chr2-47596663-C-G.
Other names: short protein forms L7V.
Identifiers: ClinVar variation 2624802 (VCV002624802.2), dbSNP rs2103737980, ClinGen allele CA346721330.
Genomic context (GRCh38, chr2:47,369,524, plus strand): 5'-CCCGGGCCCCTCCCGCGCCCCTCTTCTCGGCGCGCGCGCAGCATGGCGCCCCCGCAGGTC[C>G]TCGCGTTCGGGCTTCTGCTTGCCGCGGCGACGGCGACTTTTGCCGCAGCTCAGGAAGGTG-3'
Protein context (NP_002345.2, residues 1-17): MAPPQV[Leu7Val]AFGLLLAAAT

ClinVar aggregate classification (germline): Uncertain significance (1 of 4 stars; one submission).

Conditions:
Hereditary cancer-predisposing syndrome. Also called: Tumor predisposition; Hereditary Cancer Syndrome; Hereditary neoplastic syndrome; Neoplastic Syndromes, Hereditary. Identifiers: Orphanet 140162, MedGen C0027672, MeSH D009386, MONDO:0015356.

Submission:

Ambry Genetics
Classification: Uncertain significance for Hereditary cancer-predisposing syndrome. Last evaluated: 2023-06-28. Review status: criteria provided, single submitter. Criteria: Ambry Variant Classification Scheme 2023. Collection method: clinical testing. Allele origin: germline.
Comment: The p.L7V variant (also known as c.19C>G), located in coding exon 1 of the EPCAM gene, results from a C to G substitution at nucleotide position 19. The leucine at codon 7 is replaced by valine, an amino acid with highly similar properties. This amino acid position is conserved. In addition, this alteration is predicted to be tolerated by in silico analysis. Since supporting evidence is limited at this time, the clinical significance of this alteration remains unclear.